The following is an entry in ClinVar:

NM_000264.5(PTCH1):c.1193C>A (p.Ala398Asp)

Gene: PTCH1 (patched 1; minus strand). Cytogenetic location: 9q22.32.
Variant type: single nucleotide variant.
Coding change: c.1193C>A on transcript NM_000264.5 (MANE Select); coding-DNA position 1193, C replaced by A.
Protein change: p.Ala398Asp; replaces alanine 398 with aspartic acid.
Molecular consequence: missense variant. On other transcripts: non-coding transcript variant (1).
Genome position (GRCh38, 1-based): chr9:95,479,022, G>T on the plus strand (C>A on the coding strand, the complement: PTCH1 is on the minus strand). VCF-style: chr9-95479022-G-T. GRCh37 (hg19) VCF-style: chr9-98241304-G-T.
Other names: c.995C>A, p.Ala332Asp (NM_001083602.3); c.1190C>A, p.Ala397Asp (NM_001083603.3); c.740C>A, p.Ala247Asp (NM_001083604.3, NM_001083605.3, NM_001083606.3 and 1 more transcripts); c.1193C>A, p.Ala398Asp (NM_001354918.2); short protein forms A398D, A247D, A332D, A397D.
Identifiers: ClinVar variation 3311134 (VCV003311134.2).

ClinVar aggregate classification (germline): Uncertain significance (1 of 4 stars; one submission).

Conditions:
Hereditary cancer-predisposing syndrome. Also called: Neoplastic Syndromes, Hereditary; Tumor predisposition; Hereditary Cancer Syndrome; Hereditary neoplastic syndrome. Identifiers: Orphanet 140162, MedGen C0027672, MeSH D009386, MONDO:0015356.

Submission:

Ambry Genetics
Classification: Uncertain significance for Hereditary cancer-predisposing syndrome. Last evaluated: 2026-07-13. Review status: criteria provided, single submitter. Criteria: Ambry Variant Classification Scheme 2023. Collection method: clinical testing. Allele origin: germline.
Comment: The p.A398D variant (also known as c.1193C>A), located in coding exon 8 of the PTCH1 gene, results from a C to A substitution at nucleotide position 1193. The alanine at codon 398 is replaced by aspartic acid, an amino acid with dissimilar properties. This amino acid position is highly conserved in available vertebrate species. In addition, this alteration is predicted to be deleterious by in silico analysis. Based on the available evidence, the clinical significance of this variant remains unclear.